The following is an entry in ClinVar:

ClinVar aggregate classification (germline): Pathogenic (1 of 4 stars; one submission).

Conditions:
Kabuki syndrome 2 (KABUK2). Also called: KDM6A-Related Kabuki Syndrome. Identifiers: Orphanet 2322, MedGen C3275495, MONDO:0010465, OMIM 300867.

Submission:

Labcorp Genetics (formerly Invitae), Labcorp
Classification: Pathogenic for Kabuki syndrome 2. Last evaluated: 2022-07-12. Review status: criteria provided, single submitter. Criteria: Invitae Variant Classification Sherloc (09022015). Collection method: clinical testing. Allele origin: germline.
Comment: Algorithms developed to predict the effect of sequence changes on RNA splicing suggest that this variant may disrupt the consensus splice site. ClinVar contains an entry for this variant (Variation ID: 1071579). Disruption of this splice site has been observed in individual(s) with Kabuki syndrome (PMID: 29758562). In at least one individual the variant was observed to be de novo. This variant is not present in population databases (gnomAD no frequency). This sequence change affects an acceptor splice site in intron 6 of the KDM6A gene. It is expected to disrupt RNA splicing. Variants that disrupt the donor or acceptor splice site typically lead to a loss of protein function (PMID: 16199547), and loss-of-function variants in KDM6A are known to be pathogenic (PMID: 23076834, 23913813). For these reasons, this variant has been classified as Pathogenic.

Literature cited by the submitters: PubMed 29758562; PubMed 16199547; PubMed 23076834; PubMed 23913813.

NM_001291415.2(KDM6A):c.565-1G>A

Gene: KDM6A (lysine demethylase 6A; plus strand). Cytogenetic location: Xp11.3.
Variant type: single nucleotide variant.
Coding change: c.565-1G>A on transcript NM_001291415.2 (MANE Select); the canonical splice acceptor site of the intron before coding-DNA position 565, G replaced by A.
Molecular consequence: splice acceptor variant.
Genome position (GRCh38, 1-based): chrX:45,034,930, G>A. VCF-style: chrX-45034930-G-A. GRCh37 (hg19) VCF-style: chrX-44894175-G-A.
Other names: c.565-1G>A (NM_021140.4, NM_001410742.1, NM_001291416.2 and 2 more transcripts); c.-189-1G>A (NM_001291421.2).
Identifiers: ClinVar variation 1071579 (VCV001071579.9), dbSNP rs2147776373, ClinGen allele CA412773140.